The following is an entry in ClinVar:

ClinVar aggregate classification (germline): Likely benign. Review status: criteria provided, multiple submitters, no conflicts (2 of 4 stars). 2 submissions from 2 submitters: Likely benign (2). Last evaluated 2025-09-19.

Conditions:
Myopathy, proximal, and ophthalmoplegia (CMYO6). Also called: MYOPATHY WITH CONGENITAL JOINT CONTRACTURES, OPHTHALMOPLEGIA, AND RIMMED VACUOLES; CONGENITAL MYOPATHY 6 WITH OPHTHALMOPLEGIA; INCLUSION BODY MYOPATHY 3, AUTOSOMAL DOMINANT. Identifiers: Orphanet 363677, Orphanet 79091, MedGen C1854106, MONDO:0011577, OMIM 605637.

Allele frequency attached by ClinVar (database versions not stated): TOPMed below 0.00001; gnomAD 0.00001; gnomAD exomes 0.00001; ExAC 0.00003.
gnomAD v4.1: 14 of 1,614,136 alleles (0.00087%); highest among the groups gnomAD compares: Admixed American, 0.0067%; no homozygotes.

Submissions (2):

Mayo Clinic Laboratories, Mayo Clinic
Classification: Likely benign. Last evaluated: 2025-09-19. Review status: criteria provided, single submitter. Criteria: ACMG Guidelines, 2015. Collection method: clinical testing. Allele origin: germline. Observed: 1 variant allele.
Comment: BP4, BP7

Labcorp Genetics (formerly Invitae), Labcorp
Classification: Likely benign for Myopathy, proximal, and ophthalmoplegia. Last evaluated: 2023-05-22. Review status: criteria provided, single submitter. Criteria: Invitae Variant Classification Sherloc (09022015). Collection method: clinical testing. Allele origin: germline.

NM_017534.6(MYH2):c.1641A>G (p.Thr547=)

Genes: MYHAS (myosin heavy chain gene cluster antisense RNA; plus strand), MYH2 (myosin heavy chain 2; minus strand). Cytogenetic location: 17p13.1.
Variant type: single nucleotide variant.
Coding change: c.1641A>G on transcript NM_017534.6 (MANE Select); coding-DNA position 1641, A replaced by G.
Protein change: p.Thr547=; no amino-acid change (threonine 547 retained).
Molecular consequence: synonymous variant.
Genome position (GRCh38, 1-based): chr17:10,537,489, T>C on the plus strand (A>G on the coding strand, the complement: MYH2 is on the minus strand). VCF-style: chr17-10537489-T-C. GRCh37 (hg19) VCF-style: chr17-10440806-T-C.
Other names: p.Thr547=; c.1641A>G, p.Thr547= (NM_001100112.2).
Identifiers: ClinVar variation 1920053 (VCV001920053.6), dbSNP rs775796224, ClinGen allele CA8391313.
Genomic context (GRCh38, chr17:10,537,489, plus strand): 5'-CTGGAAGTTGGCAGACTTGCCCAGGTGCTGGTCATACAGCTTGTTCTTGAAGGAGGTGTC[T>C]GTTGCCTTAGGGAACATGCACTCCTCTTCCAGGATGGAGAAGATGCCCATAGGCTAAAAA-3'
Protein context (NP_060004.3, residues 537-557): LEEECMFPKA[Thr547=]DTSFKNKLYD